The following is an entry in ClinVar:

ClinVar aggregate classification (germline): Uncertain significance (1 of 4 stars; one submission).

Allele frequency attached by ClinVar (database versions not stated): TOPMed below 0.00001; gnomAD 0.00001.

Submission:

Labcorp Genetics (formerly Invitae), Labcorp
Classification: Uncertain significance. Last evaluated: 2023-12-28. Review status: criteria provided, single submitter. Criteria: Invitae Variant Classification Sherloc (09022015). Collection method: clinical testing. Allele origin: germline.
Comment: This sequence change falls in intron 4 of the POC5 gene. It does not directly change the encoded amino acid sequence of the POC5 protein. This variant is not present in population databases (gnomAD no frequency). This variant has not been reported in the literature in individuals affected with POC5-related conditions. Algorithms developed to predict the effect of sequence changes on RNA splicing suggest that this variant may disrupt the consensus splice site. In summary, the available evidence is currently insufficient to determine the role of this variant in disease. Therefore, it has been classified as a Variant of Uncertain Significance.

NM_001099271.2(POC5):c.308-17A>G

Gene: POC5 (POC5 centriolar protein; minus strand). Cytogenetic location: 5q13.3.
Variant type: single nucleotide variant.
Coding change: c.308-17A>G on transcript NM_001099271.2 (MANE Select); 17 bases into the intron before coding-DNA position 308, A replaced by G.
Molecular consequence: intron variant.
Genome position (GRCh38, 1-based): chr5:75,702,827, T>C on the plus strand (A>G on the coding strand, the complement: POC5 is on the minus strand). VCF-style: chr5-75702827-T-C. GRCh37 (hg19) VCF-style: chr5-74998652-T-C.
Other names: c.233-17A>G (NM_152408.3).
Identifiers: ClinVar variation 2990449 (VCV002990449.3), dbSNP rs1425894091, ClinGen allele CA813977456.